The following is an entry in ClinVar:

ClinVar aggregate classification (germline): Uncertain significance. Review status: criteria provided, multiple submitters, no conflicts (2 of 4 stars). 4 submissions from 4 submitters: Uncertain significance (3). 1 of the submissions does not count toward it. Last evaluated 2024-10-26.

Conditions:
Retinitis pigmentosa 28 (RP28). Identifiers: Orphanet 791, MedGen C1419614, MONDO:0011630, OMIM 606068.

Allele frequency attached by ClinVar (database versions not stated): gnomAD 0.00001; TOPMed 0.00002; gnomAD exomes 0.00005 and 0.00011; ExAC 0.00016.

Submissions (4):

Labcorp Genetics (formerly Invitae), Labcorp
Classification: Uncertain significance. Last evaluated: 2024-10-26. Review status: criteria provided, single submitter. Criteria: Invitae Variant Classification Sherloc (09022015). Collection method: clinical testing. Allele origin: germline.
Comment: This sequence change creates a premature translational stop signal (p.Asn657*) in the FAM161A gene. While this is not anticipated to result in nonsense mediated decay, it is expected to disrupt the last 60 amino acid(s) of the FAM161A protein. This variant is present in population databases (rs770515598, gnomAD 0.06%). This variant has not been reported in the literature in individuals affected with FAM161A-related conditions. ClinVar contains an entry for this variant (Variation ID: 965276). In summary, the available evidence is currently insufficient to determine the role of this variant in disease. Therefore, it has been classified as a Variant of Uncertain Significance.

Baylor Genetics
Classification: Uncertain significance for Retinitis pigmentosa 28. Last evaluated: 2023-11-07. Review status: criteria provided, single submitter. Criteria: ACMG Guidelines, 2015. Collection method: clinical testing. Allele origin: unknown.

Blueprint Genetics
Classification: Uncertain significance. Last evaluated: 2020-03-19. Review status: criteria provided, single submitter. Criteria: ACMG Guidelines, 2015. Collection method: clinical testing. Allele origin: germline.

Natera, Inc.
Classification: Uncertain significance for Retinitis pigmentosa type 28. Last evaluated: 2019-11-11. Review status: no assertion criteria provided. Collection method: clinical testing. Allele origin: germline. Not counted in ClinVar's aggregate classification.

NM_001201543.2(FAM161A):c.1968_1969insTGA (p.Asn657Ter)

Gene: FAM161A (FAM161 centrosomal protein A; minus strand). Cytogenetic location: 2p15.
Variant type: Insertion.
Coding change: c.1968_1969insTGA on transcript NM_001201543.2 (MANE Select); coding-DNA positions 1968 to 1969, TGA inserted.
Protein change: p.Asn657Ter; replaces asparagine 657 with a stop codon.
Molecular consequence: nonsense. On other transcripts: non-coding transcript variant (1).
Genome position: GRCh38 VCF-style: chr2-61827141-T-TTCA. GRCh37 (hg19) VCF-style: chr2-62054276-T-TTCA.
Other names: c.1800_1801insTGA, p.Asn601Ter (NM_032180.3); short protein forms N601*, N657*.
Identifiers: ClinVar variation 965276 (VCV000965276.7), dbSNP rs770515598, ClinGen allele CA1678984.